The following is an entry in ClinVar:

NM_020822.3(KCNT1):c.3503-68T>C

Gene: KCNT1 (potassium sodium-activated channel subfamily T member 1; plus strand). Cytogenetic location: 9q34.3.
Variant type: single nucleotide variant.
Coding change: c.3503-68T>C on transcript NM_020822.3 (MANE Select); 68 bases into the intron before coding-DNA position 3503, T replaced by C.
Molecular consequence: intron variant.
Genome position (GRCh38, 1-based): chr9:135,791,729, T>C. VCF-style: chr9-135791729-T-C. GRCh37 (hg19) VCF-style: chr9-138683575-T-C.
Other names: c.3431-68T>C (NM_001272003.2).
Identifiers: ClinVar variation 682135 (VCV000682135.4), dbSNP rs41299048, ClinGen allele CA13060539.
Genomic context (GRCh38, chr9:135,791,729, plus strand): 5'-TGGAGCAGAATGGTCAGGAAGGCCGGAAAGACTCAGCTCATCCTGGAGCCCCCACACCTC[T>C]GGGCCCCTGCAGAGCTGGGAGGGGCAGGGCTGGGGGGGTGACGTCTGCCCGGCTGTGTCC-3'

ClinVar aggregate classification (germline): Benign. Review status: criteria provided, multiple submitters, no conflicts (2 of 4 stars). 3 submissions from 3 submitters: Benign (3). Last evaluated 2024-07-15.

Allele frequency attached by ClinVar (database versions not stated): gnomAD 0.17316 and 0.17448; TOPMed 0.17804; 1000 Genomes Project 0.17851; 1000 Genomes Project 30x 0.17973; gnomAD exomes 0.18371.

Submissions (3):

Unidad de Genómica Garrahan, Hospital de Pediatría Garrahan
Classification: Benign. Last evaluated: 2024-07-15. Review status: criteria provided, single submitter. Criteria: ACMG Guidelines, 2015. Collection method: clinical testing. Allele origin: germline. Affected: no. Observed: 35 variant alleles.
Comment: This variant is classified as Benign based on local population frequency. This variant was detected in 38% of patients studied in a panel designed for Epileptic and Developmental Encephalopathy and Progressive Myoclonus Epilepsy. Number of patients: 35. Only high quality variants are reported.

GeneDx
Classification: Benign. Last evaluated: 2018-06-19. Review status: criteria provided, single submitter. Criteria: GeneDx Variant Classification (06012015). Collection method: clinical testing. Allele origin: germline. Affected: yes.
Comment: This variant is considered likely benign or benign based on one or more of the following criteria: it is a conservative change, it occurs at a poorly conserved position in the protein, it is predicted to be benign by multiple in silico algorithms, and/or has population frequency not consistent with disease.

Breakthrough Genomics
Classification: Benign. Review status: criteria provided, single submitter. Criteria: ACMG Guidelines, 2015. Collection method: not provided. Allele origin: germline. Inheritance: Autosomal dominant inheritance. Affected: yes.